The following is an entry in ClinVar:

ClinVar aggregate classification (germline): Likely benign. Review status: criteria provided, multiple submitters, no conflicts (2 of 4 stars). 2 submissions from 2 submitters: Likely benign (2). Last evaluated 2026-01-13.

Conditions:
MOCS2-related disorder. Also called: MOCS2-related condition.

Allele frequency attached by ClinVar (database versions not stated): gnomAD exomes 0.00003 and 0.00012; ExAC 0.00011; ESP Exome Variant Server 0.00031; gnomAD 0.00036 and 0.00039; 1000 Genomes Project 0.00040; TOPMed 0.00043; 1000 Genomes Project 30x 0.00047.
gnomAD v4.1: 102 of 1,613,790 alleles (0.0063%); highest among the groups gnomAD compares: African/African-American, 0.12%; no homozygotes.

Submissions (2):

Labcorp Genetics (formerly Invitae), Labcorp
Classification: Likely benign. Last evaluated: 2026-01-13. Review status: criteria provided, single submitter. Criteria: Invitae Variant Classification Sherloc (09022015). Collection method: clinical testing. Allele origin: germline.

PreventionGenetics, part of Exact Sciences
Classification: Likely benign for MOCS2-related condition. Last evaluated: 2025-06-23. Review status: criteria provided, single submitter. Criteria: ACMG Guidelines, 2015. Collection method: clinical testing. Allele origin: germline.
Comment: This variant is classified as likely benign based on ACMG/AMP sequence variant interpretation guidelines (Richards et al. 2015 PMID: 25741868, with internal and published modifications).

NM_004531.5(MOCS2):c.462C>T (p.Ala154=)

Gene: MOCS2 (molybdenum cofactor synthesis 2; minus strand). Cytogenetic location: 5q11.2.
Variant type: single nucleotide variant.
Coding change: c.462C>T on transcript NM_004531.5 (MANE Select); coding-DNA position 462, C replaced by T.
Protein change: p.Ala154=; no amino-acid change (alanine 154 retained).
Molecular consequence: synonymous variant. On other transcripts: 3 prime UTR variant (1).
Genome position (GRCh38, 1-based): chr5:53,100,450, G>A on the plus strand (C>T on the coding strand, the complement: MOCS2 is on the minus strand). VCF-style: chr5-53100450-G-A. GRCh37 (hg19) VCF-style: chr5-52396280-G-A.
Other names: c.*382C>T (NM_176806.4); c.462C>T (NM_004531.4).
Identifiers: ClinVar variation 1135699 (VCV001135699.10), dbSNP rs148367968, ClinGen allele CA3263613.
Genomic context (GRCh38, chr5:53,100,450, plus strand): 5'-TGTGTTATTTTCTTAACTTACCTTTTTCCATATGGGCACCTTGGCTTTTAAAGTATCAAT[G>A]GCATAGCTCACAGCTTCAAGAGATGCAGCTCTGTGGGCTGAGGACACAGCAATGATTATG-3'
Protein context (NP_004522.1, residues 144-164): RAASLEAVSY[Ala154=]IDTLKAKVPI